The following is an entry in ClinVar:

NM_001931.5(DLAT):c.561_584dup (p.Pro197_Ala198insGlnAlaAlaProAlaProThrPro)

Gene: DLAT (dihydrolipoamide S-acetyltransferase; plus strand). Cytogenetic location: 11q23.1.
Variant type: Duplication.
Coding change: c.561_584dup on transcript NM_001931.5 (MANE Select); coding-DNA positions 561 to 584, 24 bases duplicated (TACCCCACAAGCGGCCCCAGCACC).
Protein change: p.Pro197_Ala198insGlnAlaAlaProAlaProThrPro.
Molecular consequence: inframe insertion. On other transcripts: non-coding transcript variant (1), intron variant (2).
Genome position (GRCh38, 1-based): chr11:112,028,846-112,028,869, TACCCCACAAGCGGCCCCAGCACC duplicated; duplicating any 24 consecutive bases within chr11:112,028,839-112,028,869 gives the same sequence; the c. name uses the placement nearest the transcript's 3' end. VCF-style (leftmost placement, unchanged base first): chr11-112028838-G-GCAGCACCTACCCCACAAGCGGCCC. GRCh37 (hg19) VCF-style: chr11-111899562-G-GCAGCACCTACCCCACAAGCGGCCC.
Other names: c.561_584dup, p.Pro197_Ala198insGlnAlaAlaProAlaProThrPro (NM_001372031.1, NM_001372032.1, NM_001372033.1 and 3 more transcripts); c.528_551dup, p.Pro186_Ala187insGlnAlaAlaProAlaProThrPro (NM_001372034.1); c.435_458dup, p.Pro155_Ala156insGlnAlaAlaProAlaProThrPro (NM_001372036.1); c.393_416dup, p.Pro141_Ala142insGlnAlaAlaProAlaProThrPro (NM_001372037.1); c.99_122dup, p.Pro43_Ala44insGlnAlaAlaProAlaProThrPro (NM_001372042.1); c.381+2547_381+2570dup (NM_001372038.1); c.364+2564_364+2587dup (NM_001372040.1).
Identifiers: ClinVar variation 2140919 (VCV002140919.4), dbSNP rs782356632, ClinGen allele CA6276693.
Genomic context (GRCh38, chr11:112,028,838, plus strand): 5'-TTTCTCTTCCTTAGGCCTGAGGATATTGAGGCCTTTAAAAATTATACACTGGATTCCTCA[G>GCAGCACCTACCCCACAAGCGGCCC]CAGCACCTACCCCACAAGCGGCCCCAGCACCAACCCCTGCTGCCACTGCTTCGCCACCTA-3'

ClinVar aggregate classification (germline): Uncertain significance (1 of 4 stars; one submission).

Conditions:
Pyruvate dehydrogenase E2 deficiency (PDHDD). Also called: Dihydrolipoamide Acetyltransferase (E2) Deficiency; LACTIC ACIDEMIA DUE TO DEFECT OF E2 LIPOYL TRANSACETYLASE OF THE PYRUVATE DEHYDROGENASE COMPLEX. Identifiers: Orphanet 765, Orphanet 79244, MedGen C1855565, MONDO:0009502, OMIM 245348.

Submission:

Labcorp Genetics (formerly Invitae), Labcorp
Classification: Uncertain significance for Pyruvate dehydrogenase E2 deficiency. Last evaluated: 2024-03-04. Review status: criteria provided, single submitter. Criteria: Invitae Variant Classification Sherloc (09022015). Collection method: clinical testing. Allele origin: germline.
Comment: This variant, c.561_584dup, results in the insertion of 8 amino acid(s) of the DLAT protein (p.Gln190_Pro197dup), but otherwise preserves the integrity of the reading frame. This variant is present in population databases (rs782356632, gnomAD 0.003%). This variant has not been reported in the literature in individuals affected with DLAT-related conditions. ClinVar contains an entry for this variant (Variation ID: 2140919). Experimental studies and prediction algorithms are not available or were not evaluated, and the functional significance of this variant is currently unknown. In summary, the available evidence is currently insufficient to determine the role of this variant in disease. Therefore, it has been classified as a Variant of Uncertain Significance.